The following is an entry in ClinVar:

ClinVar aggregate classification (germline): Pathogenic. Review status: criteria provided, multiple submitters, no conflicts (2 of 4 stars). 2 submissions from 2 submitters: Pathogenic (2). Last evaluated 2023-12-07.

Conditions:
Hereditary cancer-predisposing syndrome. Also called: Tumor predisposition; Hereditary neoplastic syndrome; Hereditary Cancer Syndrome; Neoplastic Syndromes, Hereditary. Identifiers: Orphanet 140162, MedGen C0027672, MeSH D009386, MONDO:0015356.

Allele frequency attached by ClinVar (database versions not stated): gnomAD exomes below 0.00001 and 0.00001; ExAC 0.00002.

Submissions (2):

Labcorp Genetics (formerly Invitae), Labcorp
Classification: Pathogenic for Hereditary cancer-predisposing syndrome. Last evaluated: 2023-12-07. Review status: criteria provided, single submitter. Criteria: Invitae Variant Classification Sherloc (09022015). Collection method: clinical testing. Allele origin: germline.
Comment: This sequence change creates a premature translational stop signal (p.Leu424Glnfs*7) in the RAD50 gene. It is expected to result in an absent or disrupted protein product. Loss-of-function variants in RAD50 are known to be pathogenic (PMID: 19409520). This variant is present in population databases (rs769047012, gnomAD 0.01%). This variant has not been reported in the literature in individuals affected with RAD50-related conditions. ClinVar contains an entry for this variant (Variation ID: 576376). For these reasons, this variant has been classified as Pathogenic.

Ambry Genetics
Classification: Pathogenic for Hereditary cancer-predisposing syndrome. Last evaluated: 2017-12-20. Review status: criteria provided, single submitter. Criteria: Ambry Variant Classification Scheme 2023. Collection method: clinical testing. Allele origin: germline.
Comment: The c.1271_1272delTG pathogenic mutation, located in coding exon 9 of the RAD50 gene, results from a deletion of two nucleotides at nucleotide positions 1271 to 1272, causing a translational frameshift with a predicted alternate stop codon (p.L424Qfs*7). This alteration is expected to result in loss of function by premature protein truncation or nonsense-mediated mRNA decay. As such, this alteration is interpreted as a disease-causing mutation.

Literature cited by the submitters: PubMed 19409520 (cited by Labcorp Genetics (formerly Invitae), Labcorp).

NM_005732.4(RAD50):c.1271_1272del (p.Leu424fs)

Gene: RAD50 (RAD50 double strand break repair protein; plus strand). Cytogenetic location: 5q31.1.
Variant type: Deletion.
Coding change: c.1271_1272del on transcript NM_005732.4 (MANE Select); coding-DNA positions 1271 to 1272, 2 bases deleted (TG; older notation c.1271_1272delTG).
Protein change: p.Leu424fs; shifts the reading frame from leucine 424.
Molecular consequence: frameshift variant.
Genome position (GRCh38, 1-based): chr5:132,589,656-132,589,657, TG deleted. VCF-style (leftmost placement, unchanged base first): chr5-132589655-CTG-C. GRCh37 (hg19) VCF-style: chr5-131925347-CTG-C.
Other names: short protein forms L424fs.
Identifiers: ClinVar variation 576376 (VCV000576376.12), dbSNP rs769047012, ClinGen allele CA3405150.